The following is an entry in ClinVar:

NM_004174.4(SLC9A3):c.1212T>C (p.Ile404=)

Gene: SLC9A3 (solute carrier family 9 member A3). Cytogenetic location: 5p15.33.
Variant type: single nucleotide variant.
Coding change: c.1212T>C on transcript NM_004174.4 (MANE Select); coding-DNA position 1212, T replaced by C.
Protein change: p.Ile404=; no amino-acid change (isoleucine 404 retained).
Molecular consequence: synonymous variant.
Genome position (GRCh38, 1-based): chr5:482,692, A>G on the plus strand (T>C on the coding strand, the complement: SLC9A3 is on the minus strand). VCF-style: chr5-482692-A-G. GRCh37 (hg19) VCF-style: chr5-482807-A-G.
Other names: c.1212T>C, p.Ile404= (NM_001284351.3).
Identifiers: ClinVar variation 798938 (VCV000798938.12), dbSNP rs201331870, ClinGen allele CA3176033.

ClinVar aggregate classification (germline): Conflicting classifications of pathogenicity. Review status: criteria provided, conflicting classifications (1 of 4 stars). 3 submissions from 3 submitters: Uncertain significance (1); Likely benign (1). 1 of the submissions does not count toward it. Last evaluated 2026-01-05.

Conditions:
SLC9A3-related disorder. Also called: SLC9A3-related condition.
Congenital secretory sodium diarrhea 8. Identifiers: Orphanet 103908, MedGen C5441928, MONDO:0014808, OMIM 616868.

Allele frequency attached by ClinVar (database versions not stated): gnomAD exomes 0.00002 and 0.00005; ExAC 0.00005; gnomAD 0.00007; TOPMed 0.00009; 1000 Genomes Project 30x 0.00031; 1000 Genomes Project 0.00040.
gnomAD v4.1: 40 of 1,612,382 alleles (0.0025%); highest among the groups gnomAD compares: African/African-American, 0.033%; no homozygotes.

Submissions (3):

Labcorp Genetics (formerly Invitae), Labcorp
Classification: Likely benign. Last evaluated: 2026-01-05. Review status: criteria provided, single submitter. Criteria: Invitae Variant Classification Sherloc (09022015). Collection method: clinical testing. Allele origin: germline.

Revvity Omics, Revvity
Classification: Uncertain significance for Congenital secretory sodium diarrhea 8. Last evaluated: 2019-11-27. Review status: criteria provided, single submitter. Criteria: ACMG Guidelines, 2015. Collection method: clinical testing. Allele origin: germline.

PreventionGenetics, part of Exact Sciences
Classification: Likely benign for SLC9A3-related condition. Last evaluated: 2019-05-20. Review status: no assertion criteria provided. Collection method: clinical testing. Allele origin: germline. Not counted in ClinVar's aggregate classification.
Comment: This variant is classified as likely benign based on ACMG/AMP sequence variant interpretation guidelines (Richards et al. 2015 PMID: 25741868, with internal and published modifications).